The following is an entry in ClinVar:

NM_004408.4(DNM1):c.1061A>G (p.Tyr354Cys)

Gene: DNM1 (dynamin 1; plus strand). Cytogenetic location: 9q34.11.
Variant type: single nucleotide variant.
Coding change: c.1061A>G on transcript NM_004408.4 (MANE Select); coding-DNA position 1061, A replaced by G.
Protein change: p.Tyr354Cys; replaces tyrosine 354 with cysteine.
Molecular consequence: missense variant.
Genome position (GRCh38, 1-based): chr9:128,222,529, A>G. VCF-style: chr9-128222529-A-G. GRCh37 (hg19) VCF-style: chr9-130984808-A-G.
Other names: c.1061A>G, p.Tyr354Cys (NM_001005336.3, NM_001288737.2, NM_001288738.2 and 2 more transcripts); short protein forms Y354C.
Identifiers: ClinVar variation 2126930 (VCV002126930.4), dbSNP rs2538997415, ClinGen allele CA375016175.
Genomic context (GRCh38, chr9:128,222,529, plus strand): 5'-AGCAGTTCGCCGTAGACTTTGAGAAGCGCATTGAGGGCTCAGGAGATCAGATCGACACCT[A>G]CGAACTGTCAGGGGGAGCCCGCATTAACCGAATCTTCCACGAGCGCTTCCCTTTCGAGCT-3'
Protein context (NP_004399.2, residues 344-364): IEGSGDQIDT[Tyr354Cys]ELSGGARINR

ClinVar aggregate classification (germline): Uncertain significance (1 of 4 stars; one submission).

Conditions:
Developmental and epileptic encephalopathy, 31A. Also called: Developmental and epileptic encephalopathy, 31; Epileptic encephalopathy, early infantile, 31. Identifiers: Orphanet 2382, MedGen C4225357, MONDO:0014598, OMIM 616346.

Submission:

Labcorp Genetics (formerly Invitae), Labcorp
Classification: Uncertain significance for Developmental and epileptic encephalopathy, 31A. Last evaluated: 2024-03-14. Review status: criteria provided, single submitter. Criteria: Invitae Variant Classification Sherloc (09022015). Collection method: clinical testing. Allele origin: germline.
Comment: This sequence change replaces tyrosine, which is neutral and polar, with cysteine, which is neutral and slightly polar, at codon 354 of the DNM1 protein (p.Tyr354Cys). This variant is not present in population databases (gnomAD no frequency). This variant has not been reported in the literature in individuals affected with DNM1-related conditions. ClinVar contains an entry for this variant (Variation ID: 2126930). Advanced modeling of protein sequence and biophysical properties (such as structural, functional, and spatial information, amino acid conservation, physicochemical variation, residue mobility, and thermodynamic stability) performed at Invitae indicates that this missense variant is not expected to disrupt DNM1 protein function with a negative predictive value of 80%. In summary, the available evidence is currently insufficient to determine the role of this variant in disease. Therefore, it has been classified as a Variant of Uncertain Significance.